The following is an entry in ClinVar:

ClinVar aggregate classification (germline): Uncertain significance (1 of 4 stars; one submission).

Conditions:
Hereditary cancer-predisposing syndrome. Also called: Hereditary Cancer Syndrome; Hereditary neoplastic syndrome; Neoplastic Syndromes, Hereditary; Tumor predisposition. Identifiers: Orphanet 140162, MedGen C0027672, MeSH D009386, MONDO:0015356.

Submission:

Ambry Genetics
Classification: Uncertain significance for Hereditary cancer-predisposing syndrome. Last evaluated: 2021-07-23. Review status: criteria provided, single submitter. Criteria: Ambry Variant Classification Scheme 2023. Collection method: clinical testing. Allele origin: germline.
Comment: The p.D321E variant (also known as c.963C>G), located in coding exon 6 of the CTNNA1 gene, results from a C to G substitution at nucleotide position 963. The aspartic acid at codon 321 is replaced by glutamic acid, an amino acid with highly similar properties. This amino acid position is conserved. In addition, the in silico prediction for this alteration is inconclusive. Since supporting evidence is limited at this time, the clinical significance of this alteration remains unclear.

NM_001903.5(CTNNA1):c.963C>G (p.Asp321Glu)

Gene: CTNNA1 (catenin alpha 1; plus strand). Cytogenetic location: 5q31.2.
Variant type: single nucleotide variant.
Coding change: c.963C>G on transcript NM_001903.5 (MANE Select); coding-DNA position 963, C replaced by G.
Protein change: p.Asp321Glu; replaces aspartic acid 321 with glutamic acid.
Molecular consequence: missense variant.
Genome position (GRCh38, 1-based): chr5:138,827,619, C>G. VCF-style: chr5-138827619-C-G. GRCh37 (hg19) VCF-style: chr5-138163308-C-G.
Other names: c.963C>G, p.Asp321Glu (NM_001290307.3, NM_001323982.2, NM_001323983.1 and 3 more transcripts); c.654C>G, p.Asp218Glu (NM_001290309.3); c.594C>G, p.Asp198Glu (NM_001290310.3); short protein forms D198E, D218E, D321E.
Identifiers: ClinVar variation 1767626 (VCV001767626.2), dbSNP rs61736922, ClinGen allele CA361130995.